The following is an entry in ClinVar:

ClinVar aggregate classification (germline): Uncertain significance (1 of 4 stars; one submission).

Conditions:
Joubert syndrome. Also called: CEREBELLOPARENCHYMAL DISORDER IV; JOUBERT-BOLTSHAUSER SYNDROME; Familial aplasia of the vermis. Identifiers: Orphanet 475, MedGen C5979921, MONDO:0018772.
Meckel-Gruber syndrome. Also called: DYSENCEPHALIA SPLANCHNOCYSTICA; GRUBER SYNDROME; Dysencephalia splachnocystica. Identifiers: Orphanet 564, MedGen C0265215, MONDO:0018921.

Allele frequency attached by ClinVar (database versions not stated): TOPMed 0.00001.

Submission:

Labcorp Genetics (formerly Invitae), Labcorp
Classification: Uncertain significance for Joubert syndrome; Meckel-Gruber syndrome. Last evaluated: 2022-02-01. Review status: criteria provided, single submitter. Criteria: Invitae Variant Classification Sherloc (09022015). Collection method: clinical testing. Allele origin: germline.
Comment: This sequence change replaces alanine, which is neutral and non-polar, with threonine, which is neutral and polar, at codon 364 of the MKS1 protein (p.Ala364Thr). This variant is not present in population databases (gnomAD no frequency). This variant has not been reported in the literature in individuals affected with MKS1-related conditions. Advanced modeling of protein sequence and biophysical properties (such as structural, functional, and spatial information, amino acid conservation, physicochemical variation, residue mobility, and thermodynamic stability) performed at Invitae indicates that this missense variant is not expected to disrupt MKS1 protein function. In summary, the available evidence is currently insufficient to determine the role of this variant in disease. Therefore, it has been classified as a Variant of Uncertain Significance.

NM_017777.4(MKS1):c.1090G>A (p.Ala364Thr)

Gene: MKS1 (MKS transition zone complex subunit 1; minus strand). Cytogenetic location: 17q22.
Variant type: single nucleotide variant.
Coding change: c.1090G>A on transcript NM_017777.4 (MANE Select); coding-DNA position 1090, G replaced by A.
Protein change: p.Ala364Thr; replaces alanine 364 with threonine.
Molecular consequence: missense variant.
Genome position (GRCh38, 1-based): chr17:58,208,518, C>T on the plus strand (G>A on the coding strand, the complement: MKS1 is on the minus strand). VCF-style: chr17-58208518-C-T. GRCh37 (hg19) VCF-style: chr17-56285879-C-T.
Other names: c.481G>A, p.Ala161Thr (NM_001321268.2); c.1090G>A, p.Ala364Thr (NM_001321269.2, NM_001330397.2, NM_001411113.1); short protein forms A161T, A364T.
Identifiers: ClinVar variation 1958010 (VCV001958010.2), dbSNP rs769389013, ClinGen allele CA400325791.